The following is an entry in ClinVar:

NM_004974.4(KCNA2):c.1255C>T (p.Arg419Trp)

Gene: KCNA2 (potassium voltage-gated channel subfamily A member 2; minus strand). Cytogenetic location: 1p13.3.
Variant type: single nucleotide variant.
Coding change: c.1255C>T on transcript NM_004974.4 (MANE Select); coding-DNA position 1255, C replaced by T.
Protein change: p.Arg419Trp; replaces arginine 419 with tryptophan.
Molecular consequence: missense variant. On other transcripts: intron variant (1).
Genome position (GRCh38, 1-based): chr1:110,603,528, G>A on the plus strand (C>T on the coding strand, the complement: KCNA2 is on the minus strand). VCF-style: chr1-110603528-G-A. GRCh37 (hg19) VCF-style: chr1-111146150-G-A.
Other names: c.894+361C>T (NM_001204269.2); short protein forms R419W.
Identifiers: ClinVar variation 1254658 (VCV001254658.43), dbSNP rs1421981152, ClinGen allele CA341601113.

ClinVar aggregate classification (germline): Uncertain significance. Review status: criteria provided, multiple submitters, no conflicts (2 of 4 stars). 4 submissions from 4 submitters: Uncertain significance (4). Last evaluated 2022-08-24.

Conditions:
Developmental and epileptic encephalopathy, 32 (DEE32). Also called: Epileptic encephalopathy, early infantile, 32. Identifiers: Orphanet 442835, MedGen C4225350, MONDO:0014607, OMIM 616366.

Allele frequency attached by ClinVar (database versions not stated): gnomAD exomes below 0.00001; TOPMed 0.00002.

Submissions (4):

MGZ Medical Genetics Center
Classification: Uncertain significance for Developmental and epileptic encephalopathy, 32. Last evaluated: 2022-08-24. Review status: criteria provided, single submitter. Criteria: ACMG Guidelines, 2015. Collection method: clinical testing. Allele origin: germline. Affected: yes. Observed: 1 variant allele.
Comment: ACMG criteria applied: PM2_SUP, PP2, PP3

Labcorp Genetics (formerly Invitae), Labcorp
Classification: Uncertain significance for Developmental and epileptic encephalopathy, 32. Last evaluated: 2021-12-20. Review status: criteria provided, single submitter. Criteria: Invitae Variant Classification Sherloc (09022015). Collection method: clinical testing. Allele origin: germline.
Comment: In summary, the available evidence is currently insufficient to determine the role of this variant in disease. Therefore, it has been classified as a Variant of Uncertain Significance. Advanced modeling of protein sequence and biophysical properties (such as structural, functional, and spatial information, amino acid conservation, physicochemical variation, residue mobility, and thermodynamic stability) performed at Invitae indicates that this missense variant is expected to disrupt KCNA2 protein function. ClinVar contains an entry for this variant (Variation ID: 1254658). This variant has not been reported in the literature in individuals affected with KCNA2-related conditions. This variant is not present in population databases (gnomAD no frequency). This sequence change replaces arginine, which is basic and polar, with tryptophan, which is neutral and slightly polar, at codon 419 of the KCNA2 protein (p.Arg419Trp).

CeGaT Center for Human Genetics Tuebingen
Classification: Uncertain significance. Last evaluated: 2021-12-01. Review status: criteria provided, single submitter. Criteria: CeGaT Center For Human Genetics Tuebingen Variant Classification Criteria Version 2. Collection method: clinical testing. Allele origin: germline. Affected: yes. Observed: 1 variant allele.

GeneDx
Classification: Uncertain significance. Last evaluated: 2021-09-03. Review status: criteria provided, single submitter. Criteria: GeneDx Variant Classification Process June 2021. Collection method: clinical testing. Allele origin: germline. Affected: yes.
Comment: Not observed at significant frequency in large population cohorts (Lek et al., 2016); In silico analysis supports that this missense variant has a deleterious effect on protein structure/function; Has not been previously published as pathogenic or benign to our knowledge